The following is an entry in ClinVar:

ClinVar aggregate classification (germline): Uncertain significance (1 of 4 stars; one submission).

Conditions:
Peroxisome biogenesis disorder 3A (Zellweger). Also called: PEROXISOMAL BIOGENESIS DISORDER 3A (ZELLWEGER); Peroxisome biogenesis disorder 3A. Identifiers: Orphanet 912, MedGen C3553929, MONDO:0013927, OMIM 614859.

Submission:

Labcorp Genetics (formerly Invitae), Labcorp
Classification: Uncertain significance for Peroxisome biogenesis disorder 3A (Zellweger). Last evaluated: 2023-07-30. Review status: criteria provided, single submitter. Criteria: Invitae Variant Classification Sherloc (09022015). Collection method: clinical testing. Allele origin: germline.
Comment: ClinVar contains an entry for this variant (Variation ID: 2010904). Advanced modeling of protein sequence and biophysical properties (such as structural, functional, and spatial information, amino acid conservation, physicochemical variation, residue mobility, and thermodynamic stability) has been performed at Invitae for this missense variant, however the output from this modeling did not meet the statistical confidence thresholds required to predict the impact of this variant on PEX12 protein function. In summary, the available evidence is currently insufficient to determine the role of this variant in disease. Therefore, it has been classified as a Variant of Uncertain Significance. This sequence change replaces alanine, which is neutral and non-polar, with threonine, which is neutral and polar, at codon 80 of the PEX12 protein (p.Ala80Thr). This variant is not present in population databases (gnomAD no frequency). This variant has not been reported in the literature in individuals affected with PEX12-related conditions.

NM_000286.3(PEX12):c.238G>A (p.Ala80Thr)

Gene: PEX12 (peroxisomal biogenesis factor 12; minus strand). Cytogenetic location: 17q12.
Variant type: single nucleotide variant.
Coding change: c.238G>A on transcript NM_000286.3 (MANE Select); coding-DNA position 238, G replaced by A.
Protein change: p.Ala80Thr; replaces alanine 80 with threonine.
Molecular consequence: missense variant.
Genome position (GRCh38, 1-based): chr17:35,577,480, C>T on the plus strand (G>A on the coding strand, the complement: PEX12 is on the minus strand). VCF-style: chr17-35577480-C-T. GRCh37 (hg19) VCF-style: chr17-33904499-C-T.
Other names: short protein forms A80T.
Identifiers: ClinVar variation 2010904 (VCV002010904.4), dbSNP rs2509170417, ClinGen allele CA399138567.